The following is an entry in ClinVar:

ClinVar aggregate classification (germline): Uncertain significance (1 of 4 stars; one submission).

gnomAD v4.1: 4 of 1,614,000 alleles (0.00025%); highest among the groups gnomAD compares: Non-Finnish European, 0.00034%; no homozygotes.

Submission:

Labcorp Genetics (formerly Invitae), Labcorp
Classification: Uncertain significance. Last evaluated: 2024-12-04. Review status: criteria provided, single submitter. Criteria: Invitae Variant Classification Sherloc (09022015). Collection method: clinical testing. Allele origin: germline.
Comment: This sequence change replaces threonine, which is neutral and polar, with serine, which is neutral and polar, at codon 235 of the CETP protein (p.Thr235Ser). This variant is present in population databases (rs150550739, gnomAD 0.002%). This variant has not been reported in the literature in individuals affected with CETP-related conditions. Invitae Evidence Modeling of protein sequence and biophysical properties (such as structural, functional, and spatial information, amino acid conservation, physicochemical variation, residue mobility, and thermodynamic stability) has been performed for this missense variant. However, the output from this modeling did not meet the statistical confidence thresholds required to predict the impact of this variant on CETP protein function. In summary, the available evidence is currently insufficient to determine the role of this variant in disease. Therefore, it has been classified as a Variant of Uncertain Significance.

NM_000078.3(CETP):c.703A>T (p.Thr235Ser)

Gene: CETP (cholesteryl ester transfer protein; plus strand). Cytogenetic location: 16q13.
Variant type: single nucleotide variant.
Coding change: c.703A>T on transcript NM_000078.3 (MANE Select); coding-DNA position 703, A replaced by T.
Protein change: p.Thr235Ser; replaces threonine 235 with serine.
Molecular consequence: missense variant.
Genome position (GRCh38, 1-based): chr16:56,972,036, A>T. VCF-style: chr16-56972036-A-T. GRCh37 (hg19) VCF-style: chr16-57005948-A-T.
Other names: c.703A>T, p.Thr235Ser (NM_001286085.2); short protein forms T235S.
Identifiers: ClinVar variation 3622241 (VCV003622241.2).